The following is an entry in ClinVar:

ClinVar aggregate classification (germline): Uncertain significance. Review status: criteria provided, multiple submitters, no conflicts (2 of 4 stars). 2 submissions from 2 submitters: Uncertain significance (2). Last evaluated 2025-08-14.

Conditions:
Hereditary cancer-predisposing syndrome. Also called: Neoplastic Syndromes, Hereditary; Tumor predisposition; Hereditary Cancer Syndrome; Hereditary neoplastic syndrome. Identifiers: Orphanet 140162, MedGen C0027672, MeSH D009386, MONDO:0015356.

Allele frequency attached by ClinVar (database versions not stated): gnomAD exomes below 0.00001.
gnomAD v4.1: 1 of 1,584,270 alleles (0.000063%); highest among the groups gnomAD compares: Admixed American, 0.0017%; no homozygotes.

Submissions (2):

Ambry Genetics
Classification: Uncertain significance for Hereditary cancer-predisposing syndrome. Last evaluated: 2025-08-14. Review status: criteria provided, single submitter. Criteria: Ambry Variant Classification Scheme 2023. Collection method: clinical testing. Allele origin: germline.
Comment: The p.I939M variant (also known as c.2817A>G), located in coding exon 17 of the RAD50 gene, results from an A to G substitution at nucleotide position 2817. The isoleucine at codon 939 is replaced by methionine, an amino acid with highly similar properties. This amino acid position is not well conserved in available vertebrate species. In addition, this alteration is predicted to be tolerated by in silico analysis. Since supporting evidence is limited at this time, the clinical significance of this alteration remains unclear.

Labcorp Genetics (formerly Invitae), Labcorp
Classification: Uncertain significance for Hereditary cancer-predisposing syndrome. Last evaluated: 2024-04-22. Review status: criteria provided, single submitter. Criteria: Invitae Variant Classification Sherloc (09022015). Collection method: clinical testing. Allele origin: germline.
Comment: This sequence change replaces isoleucine, which is neutral and non-polar, with methionine, which is neutral and non-polar, at codon 939 of the RAD50 protein (p.Ile939Met). This variant is not present in population databases (gnomAD no frequency). This variant has not been reported in the literature in individuals affected with RAD50-related conditions. ClinVar contains an entry for this variant (Variation ID: 482144). Advanced modeling of protein sequence and biophysical properties (such as structural, functional, and spatial information, amino acid conservation, physicochemical variation, residue mobility, and thermodynamic stability) performed at Invitae indicates that this missense variant is not expected to disrupt RAD50 protein function with a negative predictive value of 80%. In summary, the available evidence is currently insufficient to determine the role of this variant in disease. Therefore, it has been classified as a Variant of Uncertain Significance.

NM_005732.4(RAD50):c.2817A>G (p.Ile939Met)

Gene: RAD50 (RAD50 double strand break repair protein; plus strand). Cytogenetic location: 5q31.1.
Variant type: single nucleotide variant.
Coding change: c.2817A>G on transcript NM_005732.4 (MANE Select); coding-DNA position 2817, A replaced by G.
Protein change: p.Ile939Met; replaces isoleucine 939 with methionine.
Molecular consequence: missense variant.
Genome position (GRCh38, 1-based): chr5:132,608,713, A>G. VCF-style: chr5-132608713-A-G. GRCh37 (hg19) VCF-style: chr5-131944405-A-G.
Other names: short protein forms I939M.
Identifiers: ClinVar variation 482144 (VCV000482144.15), dbSNP rs1554099331, ClinGen allele CA360959193.